The following is an entry in ClinVar:

ClinVar aggregate classification (germline): Uncertain significance (1 of 4 stars; one submission).

Conditions:
Hypertrophic cardiomyopathy 26. Also called: Cardiomyopathy, familial hypertrophic, 26. Identifiers: Orphanet 75249, MedGen C4310749, MONDO:0014883, OMIM 617047.
Myofibrillar myopathy 5. Also called: Filaminopathy (type); FILAMINOPATHY, AUTOSOMAL DOMINANT. Identifiers: Orphanet 171445, MedGen C1836050, MONDO:0012289, OMIM 609524.
Distal myopathy with posterior leg and anterior hand involvement. Also called: WILLIAMS DISTAL MYOPATHY. Identifiers: Orphanet 63273, MedGen C3279722, MONDO:0013550, OMIM 614065.

Submission:

Labcorp Genetics (formerly Invitae), Labcorp
Classification: Uncertain significance for Distal myopathy with posterior leg and anterior hand involvement; Myofibrillar myopathy 5; Hypertrophic cardiomyopathy 26. Last evaluated: 2023-07-07. Review status: criteria provided, single submitter. Criteria: Invitae Variant Classification Sherloc (09022015). Collection method: clinical testing. Allele origin: germline.
Comment: In summary, the available evidence is currently insufficient to determine the role of this variant in disease. Therefore, it has been classified as a Variant of Uncertain Significance. Advanced modeling of protein sequence and biophysical properties (such as structural, functional, and spatial information, amino acid conservation, physicochemical variation, residue mobility, and thermodynamic stability) has been performed at Invitae for this missense variant, however the output from this modeling did not meet the statistical confidence thresholds required to predict the impact of this variant on FLNC protein function. ClinVar contains an entry for this variant (Variation ID: 1449235). This variant has not been reported in the literature in individuals affected with FLNC-related conditions. This variant is not present in population databases (gnomAD no frequency). This sequence change replaces methionine, which is neutral and non-polar, with lysine, which is basic and polar, at codon 940 of the FLNC protein (p.Met940Lys).

NM_001458.5(FLNC):c.2819T>A (p.Met940Lys)

Gene: FLNC (filamin C; plus strand). Cytogenetic location: 7q32.1.
Variant type: single nucleotide variant.
Coding change: c.2819T>A on transcript NM_001458.5 (MANE Select); coding-DNA position 2819, T replaced by A.
Protein change: p.Met940Lys; replaces methionine 940 with lysine.
Molecular consequence: missense variant.
Genome position (GRCh38, 1-based): chr7:128,843,803, T>A. VCF-style: chr7-128843803-T-A. GRCh37 (hg19) VCF-style: chr7-128483857-T-A.
Other names: c.2819T>A, p.Met940Lys (NM_001127487.2); short protein forms M940K.
Identifiers: ClinVar variation 1449235 (VCV001449235.6), dbSNP rs2128936077, ClinGen allele CA369193358.
Genomic context (GRCh38, chr7:128,843,803, plus strand): 5'-TGTTGTAGGACCTTGCCTTATATCCAGTTCTGACCTACCATTGTACCCAACAGGGCAACA[T>A]GGCAGTGACAGTGACTTATGGCGGGGACCCTGTCCCCAAGAGCCCCTTTGTGGTGAATGT-3'
Protein context (NP_001449.3, residues 930-950): VKYTAVQQGN[Met940Lys]AVTVTYGGDP